The following is an entry in ClinVar:

NM_001386140.1(MTTP):c.1874C>T (p.Pro625Leu)

Gene: MTTP (microsomal triglyceride transfer protein; plus strand). Cytogenetic location: 4q23.
Variant type: single nucleotide variant.
Coding change: c.1874C>T on transcript NM_001386140.1 (MANE Select); coding-DNA position 1874, C replaced by T.
Protein change: p.Pro625Leu; replaces proline 625 with leucine.
Molecular consequence: missense variant.
Genome position (GRCh38, 1-based): chr4:99,611,338, C>T. VCF-style: chr4-99611338-C-T. GRCh37 (hg19) VCF-style: chr4-100532495-C-T.
Other names: c.1874C>T, p.Pro625Leu (NM_000253.4); c.1625C>T, p.Pro542Leu (NM_001300785.2); short protein forms P625L, P542L.
Identifiers: ClinVar variation 935777 (VCV000935777.9), dbSNP rs146045390, ClinGen allele CA3022234.
Genomic context (GRCh38, chr4:99,611,338, plus strand): 5'-ACAACTTAGCATTGCTGGAACTGCTATTAAATTACAGTTATTGTGTGTCATCAGGTAGTC[C>T]CCGTTCGGCATCTACTTACAGCCTAGACATTCTCTACTCGGGTTCTGGCATTCTAAGGAG-3'
Protein context (NP_001373069.1, residues 615-635): SAYTGYIERS[Pro625Leu]RSASTYSLDI

ClinVar aggregate classification (germline): Conflicting classifications of pathogenicity. Review status: criteria provided, conflicting classifications (1 of 4 stars). 5 submissions from 5 submitters: Uncertain significance (2); Benign (1). 2 of the submissions do not count toward it. Last evaluated 2024-11-11.

Conditions:
MTTP-related disorder. Also called: MTTP-related condition.
Abetalipoproteinaemia (ABL). Also called: Abetalipoproteinemia; Abetalipoproteinemia neuropathy; Apolipoprotein B deficiency; Congenital betalipoprotein deficiency syndrome; MTP DEFICIENCY. Identifiers: Orphanet 14, MedGen C0000744, MONDO:0008692, OMIM 200100, HP:0008181.

Allele frequency attached by ClinVar (database versions not stated): gnomAD exomes 0.00003 and 0.00011; ExAC 0.00012; 1000 Genomes Project 30x 0.00016; 1000 Genomes Project 0.00020; ESP Exome Variant Server 0.00038; gnomAD 0.00044 and 0.00049; TOPMed 0.00051.
gnomAD v4.1: 115 of 1,613,946 alleles (0.0071%); highest among the groups gnomAD compares: African/African-American, 0.14%; no homozygotes.

Submissions (5):

Labcorp Genetics (formerly Invitae), Labcorp
Classification: Uncertain significance. Last evaluated: 2024-11-11. Review status: criteria provided, single submitter. Criteria: Invitae Variant Classification Sherloc (09022015). Collection method: clinical testing. Allele origin: germline.
Comment: This sequence change replaces proline, which is neutral and non-polar, with leucine, which is neutral and non-polar, at codon 625 of the MTTP protein (p.Pro625Leu). This variant is present in population databases (rs146045390, gnomAD 0.1%). This variant has not been reported in the literature in individuals affected with MTTP-related conditions. ClinVar contains an entry for this variant (Variation ID: 935777). Invitae Evidence Modeling of protein sequence and biophysical properties (such as structural, functional, and spatial information, amino acid conservation, physicochemical variation, residue mobility, and thermodynamic stability) indicates that this missense variant is not expected to disrupt MTTP protein function with a negative predictive value of 80%. In summary, the available evidence is currently insufficient to determine the role of this variant in disease. Therefore, it has been classified as a Variant of Uncertain Significance.

Blueprint Genetics
Classification: Benign. Last evaluated: 2024-09-23. Review status: criteria provided, single submitter. Criteria: ACMG Guidelines, 2015. Collection method: clinical testing. Allele origin: germline.

New York Genome Center
Classification: Uncertain significance for Abetalipoproteinaemia. Last evaluated: 2023-03-21. Review status: criteria provided, single submitter. Criteria: NYGC Assertion Criteria 2020. Collection method: clinical testing. Allele origin: germline. Observed: 1 heterozygote.

PreventionGenetics, part of Exact Sciences
Classification: Likely benign for MTTP-related condition. Last evaluated: 2022-03-02. Review status: no assertion criteria provided. Collection method: clinical testing. Allele origin: germline. Not counted in ClinVar's aggregate classification.
Comment: This variant is classified as likely benign based on ACMG/AMP sequence variant interpretation guidelines (Richards et al. 2015 PMID: 25741868, with internal and published modifications).

Natera, Inc.
Classification: Uncertain significance for Abetalipoproteinemia. Last evaluated: 2020-02-13. Review status: no assertion criteria provided. Collection method: clinical testing. Allele origin: germline. Not counted in ClinVar's aggregate classification.